The following is an entry in ClinVar:

NM_014795.4(ZEB2):c.2774G>C (p.Gly925Ala)

Gene: ZEB2 (zinc finger E-box binding homeobox 2; minus strand). Cytogenetic location: 2q22.3.
Variant type: single nucleotide variant.
Coding change: c.2774G>C on transcript NM_014795.4 (MANE Select); coding-DNA position 2774, G replaced by C.
Protein change: p.Gly925Ala; replaces glycine 925 with alanine.
Molecular consequence: missense variant.
Genome position (GRCh38, 1-based): chr2:144,398,413, C>G on the plus strand (G>C on the coding strand, the complement: ZEB2 is on the minus strand). VCF-style: chr2-144398413-C-G. GRCh37 (hg19) VCF-style: chr2-145155980-C-G.
Other names: c.2702G>C, p.Gly901Ala (NM_001171653.2); short protein forms G901A, G925A.
Identifiers: ClinVar variation 2634043 (VCV002634043.1), dbSNP rs1408659659, ClinGen allele CA348707020.

ClinVar aggregate classification (germline): Uncertain significance (1 of 4 stars; one submission).

Conditions:
ZEB2-related disorder. Also called: ZEB2-related condition.

Submission:

PreventionGenetics, part of Exact Sciences
Classification: Uncertain significance for ZEB2-related condition. Last evaluated: 2022-09-09. Review status: criteria provided, single submitter. Criteria: ACMG Guidelines, 2015. Collection method: clinical testing. Allele origin: germline.
Comment: The ZEB2 c.2774G>C variant is predicted to result in the amino acid substitution p.Gly925Ala. To our knowledge, this variant has not been reported in the literature or in a large population database, indicating this variant is rare. At this time, the clinical significance of this variant is uncertain due to the absence of conclusive functional and genetic evidence.